The following is an entry in ClinVar:

ClinVar aggregate classification (germline): Uncertain significance (1 of 4 stars; one submission).

Conditions:
Citrullinemia. Identifiers: Orphanet 187, MedGen C0175683, MONDO:0015991.

Submission:

Labcorp Genetics (formerly Invitae), Labcorp
Classification: Uncertain significance for Citrullinemia. Last evaluated: 2022-09-27. Review status: criteria provided, single submitter. Criteria: Invitae Variant Classification Sherloc (09022015). Collection method: clinical testing. Allele origin: germline.
Comment: In summary, the available evidence is currently insufficient to determine the role of this variant in disease. Therefore, it has been classified as a Variant of Uncertain Significance. Advanced modeling of protein sequence and biophysical properties (such as structural, functional, and spatial information, amino acid conservation, physicochemical variation, residue mobility, and thermodynamic stability) performed at Invitae indicates that this missense variant is not expected to disrupt ASS1 protein function. This variant has not been reported in the literature in individuals affected with ASS1-related conditions. This variant is not present in population databases (gnomAD no frequency). This sequence change replaces lysine, which is basic and polar, with glutamic acid, which is acidic and polar, at codon 209 of the ASS1 protein (p.Lys209Glu).

NM_054012.4(ASS1):c.625A>G (p.Lys209Glu)

Gene: ASS1 (argininosuccinate synthase 1; plus strand). Cytogenetic location: 9q34.11.
Variant type: single nucleotide variant.
Coding change: c.625A>G on transcript NM_054012.4 (MANE Select); coding-DNA position 625, A replaced by G.
Protein change: p.Lys209Glu; replaces lysine 209 with glutamic acid.
Molecular consequence: missense variant.
Genome position (GRCh38, 1-based): chr9:130,476,898, A>G. VCF-style: chr9-130476898-A-G. GRCh37 (hg19) VCF-style: chr9-133352285-A-G.
Other names: c.625A>G, p.Lys209Glu (NM_000050.4); short protein forms K209E.
Identifiers: ClinVar variation 2016908 (VCV002016908.4), dbSNP rs2490581962, ClinGen allele CA375228366.